The following is an entry in ClinVar:

ClinVar aggregate classification (germline): Uncertain significance. Review status: criteria provided, multiple submitters, no conflicts (2 of 4 stars). 2 submissions from 2 submitters: Uncertain significance (2). Last evaluated 2025-08-19.

Conditions:
Mitochondrial complex II deficiency, nuclear type 1. Also called: SUCCINATE CoQ REDUCTASE DEFICIENCY. Identifiers: Orphanet 3208, MedGen C5700310, MONDO:0100294, OMIM 252011.
Pheochromocytoma/paraganglioma syndrome 5. Also called: Paragangliomas 5; SDHA-Related Hereditary Paraganglioma-Pheochromocytoma Syndrome. Identifiers: Orphanet 29072, MedGen C3279992, MONDO:0013602, OMIM 614165.
Hereditary cancer-predisposing syndrome. Also called: Neoplastic Syndromes, Hereditary; Hereditary Cancer Syndrome; Hereditary neoplastic syndrome; Tumor predisposition. Identifiers: Orphanet 140162, MedGen C0027672, MeSH D009386, MONDO:0015356.

Submissions (2):

Ambry Genetics
Classification: Uncertain significance for Hereditary cancer-predisposing syndrome. Last evaluated: 2025-08-19. Review status: criteria provided, single submitter. Criteria: Ambry Variant Classification Scheme 2023. Collection method: clinical testing. Allele origin: germline.
Comment: The p.G590D variant (also known as c.1769G>A), located in coding exon 13 of the SDHA gene, results from a G to A substitution at nucleotide position 1769. The glycine at codon 590 is replaced by aspartic acid, an amino acid with similar properties. This amino acid position is highly conserved in available vertebrate species. In addition, this alteration is predicted to be deleterious by in silico analysis. Based on the available evidence, the clinical significance of this variant remains unclear.

Labcorp Genetics (formerly Invitae), Labcorp
Classification: Uncertain significance for Pheochromocytoma/paraganglioma syndrome 5; Mitochondrial complex II deficiency, nuclear type 1. Last evaluated: 2021-08-28. Review status: criteria provided, single submitter. Criteria: Invitae Variant Classification Sherloc (09022015). Collection method: clinical testing. Allele origin: germline.
Comment: This sequence change replaces glycine with aspartic acid at codon 590 of the SDHA protein (p.Gly590Asp). The glycine residue is highly conserved and there is a moderate physicochemical difference between glycine and aspartic acid. This variant is not present in population databases (ExAC no frequency). This variant has not been reported in the literature in individuals affected with SDHA-related conditions. Algorithms developed to predict the effect of missense changes on protein structure and function (SIFT, PolyPhen-2, Align-GVGD) all suggest that this variant is likely to be disruptive. In summary, the available evidence is currently insufficient to determine the role of this variant in disease. Therefore, it has been classified as a Variant of Uncertain Significance.

NM_004168.4(SDHA):c.1769G>A (p.Gly590Asp)

Gene: SDHA (succinate dehydrogenase complex flavoprotein subunit A; plus strand). Cytogenetic location: 5p15.33.
Variant type: single nucleotide variant.
Coding change: c.1769G>A on transcript NM_004168.4 (MANE Select); coding-DNA position 1769, G replaced by A.
Protein change: p.Gly590Asp; replaces glycine 590 with aspartic acid.
Molecular consequence: missense variant. On other transcripts: intron variant (1).
Genome position (GRCh38, 1-based): chr5:251,443, G>A. VCF-style: chr5-251443-G-A. GRCh37 (hg19) VCF-style: chr5-251558-G-A.
Other names: c.1625G>A, p.Gly542Asp (NM_001294332.2); c.1552-2950G>A (NM_001330758.2); c.1769G>A (NM_004168.2); short protein forms G542D, G590D.
Identifiers: ClinVar variation 1507641 (VCV001507641.10), dbSNP rs2126633698, ClinGen allele CA359000352.
Genomic context (GRCh38, chr5:251,443, plus strand): 5'-ACCTGATGCTGTGTGCGCTGCAGACCATCTACGGAGCAGAGGCACGGAAGGAGTCACGGG[G>A]CGCGCATGCCAGGGAAGACTACAAGGTGGGCCTTCTCACCACGCCCACCTGCACCTGCCT-3'
Protein context (NP_004159.2, residues 580-600): YGAEARKESR[Gly590Asp]AHAREDYKVR